The following is an entry in ClinVar:

NM_172364.5(CACNA2D4):c.1373C>T (p.Thr458Met)

Gene: CACNA2D4 (calcium voltage-gated channel auxiliary subunit alpha2delta 4; minus strand). Cytogenetic location: 12p13.33.
Variant type: single nucleotide variant.
Coding change: c.1373C>T on transcript NM_172364.5 (MANE Select); coding-DNA position 1373, C replaced by T.
Protein change: p.Thr458Met; replaces threonine 458 with methionine.
Molecular consequence: missense variant.
Genome position (GRCh38, 1-based): chr12:1,882,979, G>A on the plus strand (C>T on the coding strand, the complement: CACNA2D4 is on the minus strand). VCF-style: chr12-1882979-G-A. GRCh37 (hg19) VCF-style: chr12-1992145-G-A.
Other names: short protein forms T458M.
Identifiers: ClinVar variation 1358572 (VCV001358572.9), dbSNP rs373696894, ClinGen allele CA6387154.
Genomic context (GRCh38, chr12:1,882,979, plus strand): 5'-ACCATGGGGCGGCTGAGCACGTGCAGGTATTCCATCACGTTCTCCTGGGTGTCCGCCAGC[G>A]TTGAGATCTGCGTGTAGTAGCCTGCGGTGGGGAAGGCCGCGTGGGTGTGGAAGGCAGGGC-3'
Protein context (NP_758952.4, residues 448-468): NNKGYYTQIS[Thr458Met]LADTQENVME

ClinVar aggregate classification (germline): Uncertain significance. Review status: criteria provided, multiple submitters, no conflicts (2 of 4 stars). 2 submissions from 2 submitters: Uncertain significance (2). Last evaluated 2025-08-20.

Allele frequency attached by ClinVar (database versions not stated): ExAC 0.00007; gnomAD 0.00007; gnomAD exomes 0.00007; TOPMed 0.00008; ESP Exome Variant Server 0.00016.
gnomAD v4.1: 111 of 1,612,926 alleles (0.0069%); highest among the groups gnomAD compares: Non-Finnish European, 0.0078%; no homozygotes.

Submissions (2):

Labcorp Genetics (formerly Invitae), Labcorp
Classification: Uncertain significance. Last evaluated: 2025-08-20. Review status: criteria provided, single submitter. Criteria: Invitae Variant Classification Sherloc (09022015). Collection method: clinical testing. Allele origin: germline.
Comment: This sequence change replaces threonine, which is neutral and polar, with methionine, which is neutral and non-polar, at codon 458 of the CACNA2D4 protein (p.Thr458Met). This variant is present in population databases (rs373696894, gnomAD 0.02%). This variant has not been reported in the literature in individuals affected with CACNA2D4-related conditions. ClinVar contains an entry for this variant (Variation ID: 1358572). An algorithm developed to predict the effect of missense changes on protein structure and function (PolyPhen-2) suggests that this variant is likely to be disruptive. In summary, the available evidence is currently insufficient to determine the role of this variant in disease. Therefore, it has been classified as a Variant of Uncertain Significance.

Blueprint Genetics
Classification: Uncertain significance. Last evaluated: 2024-05-29. Review status: criteria provided, single submitter. Criteria: ACMG Guidelines, 2015. Collection method: clinical testing. Allele origin: germline.